The following is an entry in ClinVar:

ClinVar aggregate classification (germline): Uncertain significance (1 of 4 stars; one submission).

Submission:

Labcorp Genetics (formerly Invitae), Labcorp
Classification: Uncertain significance. Last evaluated: 2022-06-16. Review status: criteria provided, single submitter. Criteria: Invitae Variant Classification Sherloc (09022015). Collection method: clinical testing. Allele origin: germline.
Comment: In summary, the available evidence is currently insufficient to determine the role of this variant in disease. Therefore, it has been classified as a Variant of Uncertain Significance. Algorithms developed to predict the effect of sequence changes on RNA splicing suggest that this variant may disrupt the consensus splice site. This variant has not been reported in the literature in individuals affected with POLE2-related conditions. This variant is not present in population databases (gnomAD no frequency). This sequence change falls in intron 18 of the POLE2 gene. It does not directly change the encoded amino acid sequence of the POLE2 protein.

NM_002692.4(POLE2):c.1566-5T>A

Gene: POLE2 (DNA polymerase epsilon 2, accessory subunit; minus strand). Cytogenetic location: 14q21.3.
Variant type: single nucleotide variant.
Coding change: c.1566-5T>A on transcript NM_002692.4 (MANE Select); 5 bases into the intron before coding-DNA position 1566, T replaced by A.
Molecular consequence: intron variant.
Genome position (GRCh38, 1-based): chr14:49,643,675, A>T on the plus strand (T>A on the coding strand, the complement: POLE2 is on the minus strand). VCF-style: chr14-49643675-A-T. GRCh37 (hg19) VCF-style: chr14-50110393-A-T.
Other names: c.1488-5T>A (NM_001197330.2); c.1563-5T>A (NM_001348384.2); c.1335-5T>A (NM_001348385.2).
Identifiers: ClinVar variation 1948533 (VCV001948533.5), dbSNP rs2502786527, ClinGen allele CA2580088146.